The following is an entry in ClinVar:

NM_015443.4(KANSL1):c.715C>T (p.Gln239Ter)

Gene: KANSL1 (KAT8 regulatory NSL complex subunit 1). Cytogenetic location: 17q21.31.
Variant type: single nucleotide variant.
Coding change: c.715C>T on transcript NM_015443.4 (MANE Select); coding-DNA position 715, C replaced by T.
Protein change: p.Gln239Ter; replaces glutamine 239 with a stop codon.
Molecular consequence: nonsense.
Genome position (GRCh38, 1-based): chr17:46,171,429, G>A on the plus strand (C>T on the coding strand, the complement: KANSL1 is on the minus strand). VCF-style: chr17-46171429-G-A. GRCh37 (hg19) VCF-style: chr17-44248795-G-A.
Other names: c.715C>T (NM_001193466.1); c.715C>T, p.Gln239Ter (NM_001193465.2, NM_001193466.2, NM_001379198.1); short protein forms Q239*.
Identifiers: ClinVar variation 1486933 (VCV001486933.4), dbSNP rs780346743, ClinGen allele CA8618983.

ClinVar aggregate classification (germline): Uncertain significance. Review status: criteria provided, multiple submitters, no conflicts (2 of 4 stars). 2 submissions from 2 submitters: Uncertain significance (2). Last evaluated 2025-07-18.

Conditions:
Koolen-de Vries syndrome (KDVS). Identifiers: Orphanet 96169, MedGen C1864871, MONDO:0012496, OMIM 610443.

Allele frequency attached by ClinVar (database versions not stated): gnomAD exomes below 0.00001; ExAC 0.00001.
gnomAD v4.1: 2 of 1,614,072 alleles (0.00012%); highest among the groups gnomAD compares: Non-Finnish European, 0.00017%; no homozygotes.

Submissions (2):

GeneDx
Classification: Uncertain significance. Last evaluated: 2025-07-18. Review status: criteria provided, single submitter. Criteria: GeneDx Variant Classification Process June 2021. Collection method: clinical testing. Allele origin: germline. Affected: yes.
Comment: Nonsense variant predicted to result in protein truncation or nonsense mediated decay in a gene for which loss of function is a known mechanism of disease; This variant is associated with the following publications: (PMID: 22751096)

Labcorp Genetics (formerly Invitae), Labcorp
Classification: Uncertain significance for Koolen-de Vries syndrome. Last evaluated: 2021-08-16. Review status: criteria provided, single submitter. Criteria: Invitae Variant Classification Sherloc (09022015). Collection method: clinical testing. Allele origin: germline.